The following is an entry in ClinVar:

NM_013386.5(SLC25A24):c.1022G>A (p.Gly341Glu)

Gene: SLC25A24 (solute carrier family 25 member 24; minus strand). Cytogenetic location: 1p13.3.
Variant type: single nucleotide variant.
Coding change: c.1022G>A on transcript NM_013386.5 (MANE Select); coding-DNA position 1022, G replaced by A.
Protein change: p.Gly341Glu; replaces glycine 341 with glutamic acid.
Molecular consequence: missense variant.
Genome position (GRCh38, 1-based): chr1:108,143,619, C>T on the plus strand (G>A on the coding strand, the complement: SLC25A24 is on the minus strand). VCF-style: chr1-108143619-C-T. GRCh37 (hg19) VCF-style: chr1-108686241-C-T.
Other names: c.965G>A, p.Gly322Glu (NM_213651.3); short protein forms G322E, G341E.
Identifiers: ClinVar variation 2159958 (VCV002159958.4), dbSNP rs151069768, ClinGen allele CA979124.

ClinVar aggregate classification (germline): Uncertain significance (1 of 4 stars; one submission).

Allele frequency attached by ClinVar (database versions not stated): gnomAD exomes 0.00006; TOPMed 0.00006; ExAC 0.00007; gnomAD 0.00007; ESP Exome Variant Server 0.00015.
gnomAD v4.1: 99 of 1,613,546 alleles (0.0061%); highest among the groups gnomAD compares: Non-Finnish European, 0.0075%; no homozygotes.

Submission:

Labcorp Genetics (formerly Invitae), Labcorp
Classification: Uncertain significance. Last evaluated: 2022-08-10. Review status: criteria provided, single submitter. Criteria: Invitae Variant Classification Sherloc (09022015). Collection method: clinical testing. Allele origin: germline.
Comment: This sequence change replaces glycine, which is neutral and non-polar, with glutamic acid, which is acidic and polar, at codon 341 of the SLC25A24 protein (p.Gly341Glu). This variant is present in population databases (rs151069768, gnomAD 0.008%). This variant has not been reported in the literature in individuals affected with SLC25A24-related conditions. Advanced modeling of protein sequence and biophysical properties (such as structural, functional, and spatial information, amino acid conservation, physicochemical variation, residue mobility, and thermodynamic stability) performed at Invitae indicates that this missense variant is not expected to disrupt SLC25A24 protein function. In summary, the available evidence is currently insufficient to determine the role of this variant in disease. Therefore, it has been classified as a Variant of Uncertain Significance.